The following is an entry in ClinVar:

ClinVar aggregate classification (germline): Conflicting classifications of pathogenicity. Review status: criteria provided, conflicting classifications (1 of 4 stars). 2 submissions from 2 submitters: Uncertain significance (1); Likely benign (1). Last evaluated 2025-07-08.

Conditions:
Inborn genetic diseases. Identifiers: MedGen C0950123, MeSH D030342.
Genitopatellar syndrome (GTPTS). Also called: Genitopatellar syndrome (GPS); ABSENT PATELLAE, SCROTAL HYPOPLASIA, RENAL ANOMALIES, FACIAL DYSMORPHISM, AND MENTAL RETARDATION. Identifiers: Orphanet 85201, MedGen C1853566, MONDO:0011640, OMIM 606170.

Allele frequency attached by ClinVar (database versions not stated): TOPMed below 0.00001; ExAC 0.00001; gnomAD 0.00001; gnomAD exomes 0.00001; ESP Exome Variant Server 0.00008.
gnomAD v4.1: 18 of 1,614,028 alleles (0.0011%); highest among the groups gnomAD compares: Middle Eastern, 0.049%; no homozygotes.

Submissions (2):

Labcorp Genetics (formerly Invitae), Labcorp
Classification: Uncertain significance for Genitopatellar syndrome. Last evaluated: 2025-07-08. Review status: criteria provided, single submitter. Criteria: Invitae Variant Classification Sherloc (09022015). Collection method: clinical testing. Allele origin: germline.
Comment: This sequence change replaces cysteine, which is neutral and slightly polar, with arginine, which is basic and polar, at codon 974 of the KAT6B protein (p.Cys974Arg). This variant is present in population databases (rs376273379, gnomAD 0.006%). This variant has not been reported in the literature in individuals affected with KAT6B-related conditions. ClinVar contains an entry for this variant (Variation ID: 2043639). Invitae Evidence Modeling of protein sequence and biophysical properties (such as structural, functional, and spatial information, amino acid conservation, physicochemical variation, residue mobility, and thermodynamic stability) indicates that this missense variant is not expected to disrupt KAT6B protein function with a negative predictive value of 80%. In summary, the available evidence is currently insufficient to determine the role of this variant in disease. Therefore, it has been classified as a Variant of Uncertain Significance.

Ambry Genetics
Classification: Likely benign for Inborn genetic diseases. Last evaluated: 2021-12-03. Review status: criteria provided, single submitter. Criteria: Ambry Variant Classification Scheme 2023. Collection method: clinical testing. Allele origin: germline.

NM_012330.4(KAT6B):c.2920T>C (p.Cys974Arg)

Gene: KAT6B (lysine acetyltransferase 6B; plus strand). Cytogenetic location: 10q22.2.
Variant type: single nucleotide variant.
Coding change: c.2920T>C on transcript NM_012330.4 (MANE Select); coding-DNA position 2920, T replaced by C.
Protein change: p.Cys974Arg; replaces cysteine 974 with arginine.
Molecular consequence: missense variant.
Genome position (GRCh38, 1-based): chr10:75,021,184, T>C. VCF-style: chr10-75021184-T-C. GRCh37 (hg19) VCF-style: chr10-76780942-T-C.
Other names: c.2371T>C, p.Cys791Arg (NM_001256468.2, NM_001370138.1); c.2044T>C, p.Cys682Arg (NM_001256469.2, NM_001370139.1, NM_001370140.1 and 2 more transcripts); c.1882T>C, p.Cys628Arg (NM_001370132.1); c.1231T>C, p.Cys411Arg (NM_001370133.1); c.835T>C, p.Cys279Arg (NM_001370134.1); c.577T>C, p.Cys193Arg (NM_001370135.1); c.2920T>C, p.Cys974Arg (NM_001370136.1, NM_001370137.1); c.1855T>C, p.Cys619Arg (NM_001370143.1, NM_001370144.1); short protein forms C193R, C411R, C682R, C619R, C974R, C628R, C791R, C279R.
Identifiers: ClinVar variation 2043639 (VCV002043639.5), dbSNP rs376273379, ClinGen allele CA5564686.